The following is an entry in ClinVar:

NM_001290060.2(SEMA3B):c.-4T>G

Gene: SEMA3B (semaphorin 3B; plus strand). Cytogenetic location: 3p21.31.
Variant type: single nucleotide variant.
Coding change: c.-4T>G on transcript NM_001290060.2 (MANE Select); 4 bases upstream of the start codon, T replaced by G.
Molecular consequence: 5 prime UTR variant.
Genome position (GRCh38, 1-based): chr3:50,269,237, T>G. VCF-style: chr3-50269237-T-G. GRCh37 (hg19) VCF-style: chr3-50306669-T-G.
Other names: c.-4T>G (NM_001005914.3, NM_001290061.1, NM_001435956.1 and 3 more transcripts).
Identifiers: ClinVar variation 4983344 (VCV004983344.1).

ClinVar aggregate classification (germline): Likely benign (1 of 4 stars; one submission).

Conditions:
SEMA3B-related disorder. Also called: SEMA3B-related condition.

Submission:

PreventionGenetics, part of Exact Sciences
Classification: Likely benign for SEMA3B-related condition. Last evaluated: 2025-09-09. Review status: criteria provided, single submitter. Criteria: ACMG Guidelines, 2015. Collection method: clinical testing. Allele origin: germline.
Comment: This variant is classified as likely benign based on ACMG/AMP sequence variant interpretation guidelines (Richards et al. 2015 PMID: 25741868, with internal and published modifications).